The following is an entry in ClinVar:

ClinVar aggregate classification (germline): Uncertain significance (1 of 4 stars; one submission).

gnomAD v4.1: 2 of 1,608,732 alleles (0.00012%); highest among the groups gnomAD compares: Non-Finnish European, 0.000085%; no homozygotes.

Submission:

Labcorp Genetics (formerly Invitae), Labcorp
Classification: Uncertain significance. Last evaluated: 2025-12-15. Review status: criteria provided, single submitter. Criteria: Invitae Variant Classification Sherloc (09022015). Collection method: clinical testing. Allele origin: germline.
Comment: This sequence change replaces valine, which is neutral and non-polar, with leucine, which is neutral and non-polar, at codon 863 of the CEP97 protein (p.Val863Leu). This variant is not present in population databases (gnomAD no frequency). This variant has not been reported in the literature in individuals affected with CEP97-related conditions. An algorithm developed to predict the effect of missense changes on protein structure and function (PolyPhen-2) suggests that this variant is likely to be tolerated. In summary, the available evidence is currently insufficient to determine the role of this variant in disease. Therefore, it has been classified as a Variant of Uncertain Significance.

NM_024548.4(CEP97):c.2587G>C (p.Val863Leu)

Gene: CEP97 (centrosomal protein 97; plus strand). Cytogenetic location: 3q12.3.
Variant type: single nucleotide variant.
Coding change: c.2587G>C on transcript NM_024548.4 (MANE Select); coding-DNA position 2587, G replaced by C.
Protein change: p.Val863Leu; replaces valine 863 with leucine.
Molecular consequence: missense variant.
Genome position (GRCh38, 1-based): chr3:101,765,540, G>C. VCF-style: chr3-101765540-G-C. GRCh37 (hg19) VCF-style: chr3-101484384-G-C.
Other names: c.2410G>C, p.Val804Leu (NM_001303401.2); c.2485G>C, p.Val829Leu (NM_001410784.1); c.2308G>C, p.Val770Leu (NM_001410785.1); short protein forms V829L, V863L, V770L, V804L.
Identifiers: ClinVar variation 4762275 (VCV004762275.1).
Genomic context (GRCh38, chr3:101,765,540, plus strand): 5'-GCAGAAGTTCAGGGGCAGCAGCCAGAATGTGATTCTACATTTCAGCTATTGCATGTTGGT[G>C]TTACTGTGTAGCATGTCTTTTGGGAGGCAGATATCCACTTAACTTTTCTTAAAAATACTT-3'
Protein context (NP_078824.2, residues 853-865): DSTFQLLHVG[Val863Leu]TV